The following is an entry in ClinVar:

NM_000501.4(ELN):c.1748-18A>G

Genes: ELN (elastin; plus strand), ELN-AS1 (ELN antisense RNA 1; minus strand). Cytogenetic location: 7q11.23.
Variant type: single nucleotide variant.
Coding change: c.1748-18A>G on transcript NM_000501.4 (MANE Select); 18 bases into the intron before coding-DNA position 1748, A replaced by G.
Molecular consequence: intron variant.
Genome position (GRCh38, 1-based): chr7:74,061,083, A>G. VCF-style: chr7-74061083-A-G. GRCh37 (hg19) VCF-style: chr7-73475413-A-G.
Other names: c.1763-18A>G (NM_001081754.3); c.1706-18A>G (NM_001081753.3); c.1934-18A>G (NM_001278939.2); c.1766-18A>G (NM_001278915.2); c.1748-18A>G (NM_001278912.2); c.1691-18A>G (NM_001081755.3); c.1604-18A>G (NM_001278916.2); c.1505-18A>G (NM_001278913.2); and 4 more.
Identifiers: ClinVar variation 2049711 (VCV002049711.4), dbSNP rs782489667, ClinGen allele CA4293208.

ClinVar aggregate classification (germline): Uncertain significance (1 of 4 stars; one submission).

Conditions:
Supravalvar aortic stenosis (SVAS). Also called: Supravalvar aortic stenosis, Eisenberg type. Identifiers: Orphanet 3193, MedGen C0003499, MONDO:0008504, OMIM 185500, HP:0004381.

Allele frequency attached by ClinVar (database versions not stated): gnomAD 0.00001; TOPMed 0.00001; ExAC 0.00002.
gnomAD v4.1: 3 of 1,613,952 alleles (0.00019%); highest among the groups gnomAD compares: Admixed American, 0.0033%; no homozygotes.

Submission:

Labcorp Genetics (formerly Invitae), Labcorp
Classification: Uncertain significance for Supravalvar aortic stenosis. Last evaluated: 2024-11-30. Review status: criteria provided, single submitter. Criteria: Invitae Variant Classification Sherloc (09022015). Collection method: clinical testing. Allele origin: germline.
Comment: This sequence change falls in intron 26 of the ELN gene. It does not directly change the encoded amino acid sequence of the ELN protein. This variant is present in population databases (rs782489667, gnomAD 0.007%). This variant has not been reported in the literature in individuals affected with ELN-related conditions. ClinVar contains an entry for this variant (Variation ID: 2049711). Algorithms developed to predict the effect of sequence changes on RNA splicing suggest that this variant may disrupt the consensus splice site. In summary, the available evidence is currently insufficient to determine the role of this variant in disease. Therefore, it has been classified as a Variant of Uncertain Significance.